The following is an entry in ClinVar:

NM_207122.2(EXT2):c.383_390del (p.Arg128fs)

Gene: EXT2 (exostosin glycosyltransferase 2; plus strand). Cytogenetic location: 11p11.2.
Variant type: Deletion.
Coding change: c.383_390del on transcript NM_207122.2 (MANE Select); coding-DNA positions 383 to 390, 8 bases deleted (GGGAGTAT; older notation c.383_390delGGGAGTAT).
Protein change: p.Arg128fs; shifts the reading frame from arginine 128.
Molecular consequence: frameshift variant.
Genome position (GRCh38, 1-based): chr11:44,108,095-44,108,102, GGGAGTAT deleted. VCF-style (leftmost placement, unchanged base first): chr11-44108094-CGGGAGTAT-C. GRCh37 (hg19) VCF-style: chr11-44129644-CGGGAGTAT-C.
Other names: c.482_489del, p.Arg161fs (NM_000401.3); c.383_390del, p.Arg128fs (NM_001178083.3, NM_001389628.1, NM_001389630.1); short protein forms R128fs, R161fs.
Identifiers: ClinVar variation 2840263 (VCV002840263.3), dbSNP rs2539516907, ClinGen allele CA2739270393.

ClinVar aggregate classification (germline): Pathogenic (1 of 4 stars; one submission).

Conditions:
Exostoses, multiple, type 2 (EXT2). Also called: Hereditary Multiple Osteochondromatosis, Type II; EXOSTOSES, MULTIPLE, TYPE II. Identifiers: Orphanet 321, MedGen C1851413, MONDO:0007586, OMIM 133701.

Submission:

Labcorp Genetics (formerly Invitae), Labcorp
Classification: Pathogenic for Exostoses, multiple, type 2. Last evaluated: 2023-02-23. Review status: criteria provided, single submitter. Criteria: Invitae Variant Classification Sherloc (09022015). Collection method: clinical testing. Allele origin: germline.
Comment: This sequence change creates a premature translational stop signal (p.Arg128Glnfs*2) in the EXT2 gene. It is expected to result in an absent or disrupted protein product. Loss-of-function variants in EXT2 are known to be pathogenic (PMID: 10679937, 19810120). For these reasons, this variant has been classified as Pathogenic. This variant has not been reported in the literature in individuals affected with EXT2-related conditions. This variant is not present in population databases (gnomAD no frequency).

Literature cited by the submitters: PubMed 10679937; PubMed 19810120.